The following is an entry in ClinVar:

NM_005876.5(SPEG):c.5701C>A (p.Pro1901Thr)

Genes: ASIC4-AS1 (ASIC4 antisense RNA 1; minus strand), SPEG (striated muscle enriched protein kinase; plus strand). Cytogenetic location: 2q35.
Variant type: single nucleotide variant.
Coding change: c.5701C>A on transcript NM_005876.5 (MANE Select); coding-DNA position 5701, C replaced by A.
Protein change: p.Pro1901Thr; replaces proline 1901 with threonine.
Molecular consequence: missense variant.
Genome position (GRCh38, 1-based): chr2:219,483,164, C>A. VCF-style: chr2-219483164-C-A. GRCh37 (hg19) VCF-style: chr2-220347886-C-A.
Other names: short protein forms P1901T.
Identifiers: ClinVar variation 1992857 (VCV001992857.2), dbSNP rs1465600654, ClinGen allele CA350692996.

ClinVar aggregate classification (germline): Uncertain significance (1 of 4 stars; one submission).

Allele frequency attached by ClinVar (database versions not stated): gnomAD exomes below 0.00001; TOPMed 0.00001.
gnomAD v4.1: 1 of 1,609,772 alleles (0.000062%); highest among the groups gnomAD compares: Non-Finnish European, 0.000085%; no homozygotes.

Submission:

Labcorp Genetics (formerly Invitae), Labcorp
Classification: Uncertain significance. Last evaluated: 2022-06-06. Review status: criteria provided, single submitter. Criteria: Invitae Variant Classification Sherloc (09022015). Collection method: clinical testing. Allele origin: germline.
Comment: This sequence change replaces proline, which is neutral and non-polar, with threonine, which is neutral and polar, at codon 1901 of the SPEG protein (p.Pro1901Thr). This variant is not present in population databases (gnomAD no frequency). This variant has not been reported in the literature in individuals affected with SPEG-related conditions. Algorithms developed to predict the effect of missense changes on protein structure and function are either unavailable or do not agree on the potential impact of this missense change (SIFT: "Deleterious"; PolyPhen-2: "Benign"; Align-GVGD: "Class C0"). In summary, the available evidence is currently insufficient to determine the role of this variant in disease. Therefore, it has been classified as a Variant of Uncertain Significance.